The following is an entry in ClinVar:

NM_001367561.1(DOCK7):c.5746G>A (p.Val1916Met)

Gene: DOCK7 (dedicator of cytokinesis 7; minus strand). Cytogenetic location: 1p31.3.
Variant type: single nucleotide variant.
Coding change: c.5746G>A on transcript NM_001367561.1 (MANE Select); coding-DNA position 5746, G replaced by A.
Protein change: p.Val1916Met; replaces valine 1916 with methionine.
Molecular consequence: missense variant.
Genome position (GRCh38, 1-based): chr1:62,475,922, C>T on the plus strand (G>A on the coding strand, the complement: DOCK7 is on the minus strand). VCF-style: chr1-62475922-C-T. GRCh37 (hg19) VCF-style: chr1-62941593-C-T.
Other names: c.5713G>A, p.Val1905Met (NM_001271999.2); c.5626G>A, p.Val1876Met (NM_001272000.2); c.5620G>A, p.Val1874Met (NM_001272001.2); c.5719G>A, p.Val1907Met (NM_001330614.2); c.5653G>A, p.Val1885Met (NM_033407.4); c.5653G>A (NM_033407.2); short protein forms V1874M, V1885M, V1876M, V1905M, V1907M, V1916M.
Identifiers: ClinVar variation 4088144 (VCV004088144.2).

ClinVar aggregate classification (germline): Uncertain significance. Review status: criteria provided, multiple submitters, no conflicts (2 of 4 stars). 2 submissions from 2 submitters: Uncertain significance (2). Last evaluated 2025-11-20.

Conditions:
Inborn genetic diseases. Identifiers: MedGen C0950123, MeSH D030342.

gnomAD v4.1: 20 of 1,613,866 alleles (0.0012%); highest among the groups gnomAD compares: Non-Finnish European, 0.0014%; no homozygotes.

Submissions (2):

Ambry Genetics
Classification: Uncertain significance for Inborn genetic diseases. Last evaluated: 2025-11-20. Review status: criteria provided, single submitter. Criteria: Ambry Variant Classification Scheme 2023. Collection method: clinical testing. Allele origin: germline.

GeneDx
Classification: Uncertain significance. Last evaluated: 2025-03-25. Review status: criteria provided, single submitter. Criteria: GeneDx Variant Classification Process June 2021. Collection method: clinical testing. Allele origin: germline. Affected: yes.
Comment: Not observed at significant frequency in large population cohorts (gnomAD); In silico analysis supports that this missense variant has a deleterious effect on protein structure/function; Has not been previously published as pathogenic or benign to our knowledge